The following is an entry in ClinVar:

NM_001256071.3(RNF213):c.12537G>A (p.Glu4179=)

Genes: RNF213 (ring finger protein 213; plus strand), RNF213-AS1 (RNF213 antisense RNA 1; minus strand), LOC126862663 (BRD4-independent group 4 enhancer GRCh37_chr17:78345568-78346767; plus strand). Cytogenetic location: 17q25.3.
Variant type: single nucleotide variant.
Coding change: c.12537G>A on transcript NM_001256071.3 (MANE Select); coding-DNA position 12537, G replaced by A.
Protein change: p.Glu4179=; no amino-acid change (glutamic acid 4179 retained).
Molecular consequence: synonymous variant.
Genome position (GRCh38, 1-based): chr17:80,371,985, G>A. VCF-style: chr17-80371985-G-A. GRCh37 (hg19) VCF-style: chr17-78345785-G-A.
Other names: c.12684G>A, p.Glu4228= (NM_001410195.1, NM_020914.5).
Identifiers: ClinVar variation 3044502 (VCV003044502.2), dbSNP rs570724464, ClinGen allele CA8822206.

ClinVar aggregate classification (germline): Likely benign (0 of 4 stars; one submission).

Conditions:
RNF213-related disorder. Also called: RNF213-related condition.

Allele frequency attached by ClinVar (database versions not stated): ExAC 0.00001; gnomAD 0.00001; gnomAD exomes 0.00001; TOPMed 0.00001; 1000 Genomes Project 30x 0.00016; 1000 Genomes Project 0.00020.
gnomAD v4.1: 19 of 1,489,736 alleles (0.0013%); highest among the groups gnomAD compares: Admixed American, 0.0017%; no homozygotes.

Submission:

PreventionGenetics, part of Exact Sciences
Classification: Likely benign for RNF213-related condition. Last evaluated: 2019-06-07. Review status: no assertion criteria provided. Collection method: clinical testing. Allele origin: germline.
Comment: This variant is classified as likely benign based on ACMG/AMP sequence variant interpretation guidelines (Richards et al. 2015 PMID: 25741868, with internal and published modifications).